The following is an entry in ClinVar:

ClinVar aggregate classification (germline): Pathogenic. Review status: criteria provided, multiple submitters, no conflicts (2 of 4 stars). 2 submissions from 2 submitters: Pathogenic (2). Last evaluated 2025-04-17.

Conditions:
Hypophosphatemic rickets, autosomal recessive, 2 (ARHR2). Identifiers: Orphanet 289176, MedGen C2750078, MONDO:0013219, OMIM 613312.
Arterial calcification, generalized, of infancy, 1 (GACI1). Also called: Idiopathic Infantile Arterial Calcification. Identifiers: Orphanet 51608, MedGen C4551985, MONDO:0008817, OMIM 208000.

Submissions (2):

Labcorp Genetics (formerly Invitae), Labcorp
Classification: Pathogenic. Last evaluated: 2025-04-17. Review status: criteria provided, single submitter. Criteria: Invitae Variant Classification Sherloc (09022015). Collection method: clinical testing. Allele origin: germline.
Comment: This sequence change creates a premature translational stop signal (p.Asn731Ilefs*5) in the ENPP1 gene. It is expected to result in an absent or disrupted protein product. Loss-of-function variants in ENPP1 are known to be pathogenic (PMID: 12881724, 15605415, 16369898, 20016754, 20137773, 22539483). This variant is not present in population databases (gnomAD no frequency). This premature translational stop signal has been observed in individual(s) with ENPP1-related conditions (PMID: 36150100). ClinVar contains an entry for this variant (Variation ID: 1699973). For these reasons, this variant has been classified as Pathogenic.

Genomenon, Inc
Classification: Pathogenic for Arterial calcification, generalized, of infancy, 1; Hypophosphatemic rickets, autosomal recessive, 2. Last evaluated: 2022-03-16. Review status: criteria provided, single submitter. Criteria: Genomenon Sequence Variant Interpretation Standards - 2021 07 19. Collection method: research. Allele origin: germline. Affected: yes.

Literature cited by the submitters: PubMed 12881724 (cited by Labcorp Genetics (formerly Invitae), Labcorp); PubMed 15605415 (cited by Labcorp Genetics (formerly Invitae), Labcorp); PubMed 16369898 (cited by Labcorp Genetics (formerly Invitae), Labcorp); PubMed 20016754 (cited by Labcorp Genetics (formerly Invitae), Labcorp); PubMed 20137773 (cited by Labcorp Genetics (formerly Invitae), Labcorp); PubMed 22539483 (cited by Labcorp Genetics (formerly Invitae), Labcorp); PubMed 36150100 (cited by Labcorp Genetics (formerly Invitae), Labcorp).

NM_006208.3(ENPP1):c.2192del (p.Asn731fs)

Gene: ENPP1 (ectonucleotide pyrophosphatase/phosphodiesterase 1; plus strand). Cytogenetic location: 6q23.2.
Variant type: Deletion.
Coding change: c.2192del on transcript NM_006208.3 (MANE Select); coding-DNA position 2192, one base deleted (A; older notation c.2192delA).
Protein change: p.Asn731fs; shifts the reading frame from asparagine 731.
Molecular consequence: frameshift variant.
Genome position (GRCh38, 1-based): chr6:131,882,436, A deleted; the last of 5 consecutive A bases (chr6:131,882,432-131,882,436); deleting any one gives the same sequence. VCF-style (leftmost placement, unchanged base first): chr6-131882431-TA-T. GRCh37 (hg19) VCF-style: chr6-132203571-TA-T.
Other names: short protein forms N731fs.
Identifiers: ClinVar variation 1699973 (VCV001699973.3), dbSNP rs2114726975, ClinGen allele CA2578743215.
Genomic context (GRCh38, chr6:131,882,431, plus strand): 5'-CAACTGTCTGTACCAGGACTTTAGAATTCCTCTTAGTCCTGTCCATAAATGTTCATTTTA[TA>T]AAAATAACACCAAAGTGAGTTACGGGTTCCTCTCCCCACCACGTAAGTTTTTTCCTCTCC-3'